The following is an entry in ClinVar:

NM_001042492.3(NF1):c.383A>G (p.Asn128Ser)

Gene: NF1 (neurofibromin 1; plus strand). Cytogenetic location: 17q11.2.
Variant type: single nucleotide variant.
Coding change: c.383A>G on transcript NM_001042492.3 (MANE Select); coding-DNA position 383, A replaced by G.
Protein change: p.Asn128Ser; replaces asparagine 128 with serine.
Molecular consequence: missense variant.
Genome position (GRCh38, 1-based): chr17:31,163,280, A>G. VCF-style: chr17-31163280-A-G. GRCh37 (hg19) VCF-style: chr17-29490298-A-G.
Other names: c.383A>G, p.Asn128Ser (NM_000267.4, NM_001128147.3); short protein forms N128S.
Identifiers: ClinVar variation 2010751 (VCV002010751.4), dbSNP rs2544700917, ClinGen allele CA398981833.
Genomic context (GRCh38, chr17:31,163,280, plus strand): 5'-TGCTGGTCAAACAGTTGCTGCCAGAAATCTGCCATTTTCTTCACACCTGTCGTGAAGGAA[A>G]CCAGCATGCAGCTGAACTTCGGAATTCTGCCTCTGGGGTTTTATTTTCTCTCAGCTGCAA-3'
Protein context (NP_001035957.1, residues 118-138): CHFLHTCREG[Asn128Ser]QHAAELRNSA

ClinVar aggregate classification (germline): Uncertain significance (1 of 4 stars; one submission).

Conditions:
Neurofibromatosis, type 1 (NF1). Also called: Neurofibromatosis, type I; Peripheral type neurofibromatosis; VON RECKLINGHAUSEN DISEASE; NEUROFIBROMATOSIS, TYPE I, SOMATIC. Identifiers: Orphanet 636, MedGen C0027831, MONDO:0018975, OMIM 162200. Disease mechanism: loss of function.

Submission:

Labcorp Genetics (formerly Invitae), Labcorp
Classification: Uncertain significance for Neurofibromatosis, type 1. Last evaluated: 2025-04-10. Review status: criteria provided, single submitter. Criteria: Invitae Variant Classification Sherloc (09022015). Collection method: clinical testing. Allele origin: germline.
Comment: This sequence change replaces asparagine, which is neutral and polar, with serine, which is neutral and polar, at codon 128 of the NF1 protein (p.Asn128Ser). This variant is not present in population databases (gnomAD no frequency). This variant has not been reported in the literature in individuals affected with NF1-related conditions. ClinVar contains an entry for this variant (Variation ID: 2010751). Invitae Evidence Modeling of protein sequence and biophysical properties (such as structural, functional, and spatial information, amino acid conservation, physicochemical variation, residue mobility, and thermodynamic stability) indicates that this missense variant is not expected to disrupt NF1 protein function with a negative predictive value of 95%. In summary, the available evidence is currently insufficient to determine the role of this variant in disease. Therefore, it has been classified as a Variant of Uncertain Significance.